The following is an entry in ClinVar:

NM_000038.6(APC):c.4230C>T (p.Cys1410=)

Gene: APC (APC regulator of Wnt signaling pathway; plus strand). Cytogenetic location: 5q22.2.
Variant type: single nucleotide variant.
Coding change: c.4230C>T on transcript NM_000038.6 (MANE Select); coding-DNA position 4230, C replaced by T.
Protein change: p.Cys1410=; no amino-acid change (cysteine 1410 retained).
Molecular consequence: synonymous variant. On other transcripts: non-coding transcript variant (2).
Genome position (GRCh38, 1-based): chr5:112,839,824, C>T. VCF-style: chr5-112839824-C-T. GRCh37 (hg19) VCF-style: chr5-112175521-C-T.
Other names: c.4230C>T, p.Cys1410= (NM_001127510.3, NM_001354895.2, NM_001407450.1); c.4176C>T, p.Cys1392= (NM_001127511.3); c.4284C>T, p.Cys1428= (NM_001354896.2, NM_001407447.1, NM_001407448.1 and 1 more transcripts); c.4260C>T, p.Cys1420= (NM_001354897.2); c.4155C>T, p.Cys1385= (NM_001354898.2); c.4146C>T, p.Cys1382= (NM_001354899.2); c.4107C>T, p.Cys1369= (NM_001354900.2); c.4053C>T, p.Cys1351= (NM_001354901.2, NM_001407453.1); and 12 more.
Identifiers: ClinVar variation 2904936 (VCV002904936.5), dbSNP rs2149909485, ClinGen allele CA445964227.

ClinVar aggregate classification (germline): Benign/Likely benign. Review status: criteria provided, multiple submitters, no conflicts (2 of 4 stars). 3 submissions from 3 submitters: Benign (1); Likely benign (2). Last evaluated 2026-07-27.

Conditions:
Familial adenomatous polyposis 1 (FAP1). Also called: POLYPOSIS, ADENOMATOUS INTESTINAL; FAMILIAL ADENOMATOUS POLYPOSIS 1, ATTENUATED. Identifiers: MedGen C2713442, MONDO:0021056, OMIM 175100. Disease mechanism: loss of function.
Hereditary cancer-predisposing syndrome. Also called: Hereditary Cancer Syndrome; Hereditary neoplastic syndrome; Neoplastic Syndromes, Hereditary; Tumor predisposition. Identifiers: Orphanet 140162, MedGen C0027672, MeSH D009386, MONDO:0015356.

Submissions (3):

Ambry Genetics
Classification: Likely benign for Hereditary cancer-predisposing syndrome. Last evaluated: 2026-07-27. Review status: criteria provided, single submitter. Criteria: Ambry Variant Classification Scheme 2023. Collection method: clinical testing. Allele origin: germline.

Labcorp Genetics (formerly Invitae), Labcorp
Classification: Likely benign for Familial adenomatous polyposis 1. Last evaluated: 2025-06-03. Review status: criteria provided, single submitter. Criteria: Invitae Variant Classification Sherloc (09022015). Collection method: clinical testing. Allele origin: germline.

Myriad Genetics, Inc.
Classification: Benign for Familial adenomatous polyposis 1. Last evaluated: 2024-03-26. Review status: criteria provided, single submitter. Criteria: Myriad Autosomal Dominant, Autosomal Recessive and X-Linked Classification Criteria (2023). Collection method: clinical testing. Allele origin: unknown.
Comment: This variant is considered benign. This variant is a silent/synonymous amino acid change and it is not expected to impact splicing.